The following is an entry in ClinVar:

NM_001395891.1(CLASP1):c.2601C>T (p.Gly867=)

Gene: CLASP1 (cytoplasmic linker associated protein 1; minus strand). Cytogenetic location: 2q14.2.
Variant type: single nucleotide variant.
Coding change: c.2601C>T on transcript NM_001395891.1 (MANE Select); coding-DNA position 2601, C replaced by T.
Protein change: p.Gly867=; no amino-acid change (glycine 867 retained).
Molecular consequence: synonymous variant.
Genome position (GRCh38, 1-based): chr2:121,407,602, G>A on the plus strand (C>T on the coding strand, the complement: CLASP1 is on the minus strand). VCF-style: chr2-121407602-G-A. GRCh37 (hg19) VCF-style: chr2-122165178-G-A.
Other names: c.2478C>T, p.Gly826= (NM_001142273.2); c.2454C>T, p.Gly818= (NM_001142274.2, NM_001378004.1); c.2472C>T, p.Gly824= (NM_001207051.2); c.2562C>T, p.Gly854= (NM_001378003.1); c.2475C>T, p.Gly825= (NM_001378005.1); c.2538C>T, p.Gly846= (NM_015282.3).
Identifiers: ClinVar variation 3058136 (VCV003058136.2), dbSNP rs775582460, ClinGen allele CA1853897.
Genomic context (GRCh38, chr2:121,407,602, plus strand): 5'-ACTAGCACAGTGGTTGAGAACTTCTGCTACATCCTCAGTCTGCCGCAGATAATGGGGAAT[G>A]CCACCATTCCTGGAGCCATATGAGCGCTCAGAGCAAACACTTGAGGCATCACTGTTGGCA-3'
Protein context (NP_001382820.1, residues 857-877): SERSYGSRNG[Gly867=]IPHYLRQTED

ClinVar aggregate classification (germline): Likely benign (0 of 4 stars; one submission).

Conditions:
CLASP1-related disorder. Also called: CLASP1-related condition.

Allele frequency attached by ClinVar (database versions not stated): ExAC 0.00001; gnomAD exomes 0.00001; TOPMed 0.00001; gnomAD 0.00002.
gnomAD v4.1: 11 of 1,613,868 alleles (0.00068%); highest among the groups gnomAD compares: Non-Finnish European, 0.00093%; no homozygotes.

Submission:

PreventionGenetics, part of Exact Sciences
Classification: Likely benign for CLASP1-related condition. Last evaluated: 2019-03-04. Review status: no assertion criteria provided. Collection method: clinical testing. Allele origin: germline.
Comment: This variant is classified as likely benign based on ACMG/AMP sequence variant interpretation guidelines (Richards et al. 2015 PMID: 25741868, with internal and published modifications).